The following is an entry in ClinVar:

NM_018294.6(CWF19L1):c.1255-7C>A

Gene: CWF19L1 (CWF19 like cell cycle control factor 1; minus strand). Cytogenetic location: 10q24.31.
Variant type: single nucleotide variant.
Coding change: c.1255-7C>A on transcript NM_018294.6 (MANE Select); 7 bases into the intron before coding-DNA position 1255, C replaced by A.
Molecular consequence: intron variant.
Genome position (GRCh38, 1-based): chr10:100,236,976, G>T on the plus strand (C>A on the coding strand, the complement: CWF19L1 is on the minus strand). VCF-style: chr10-100236976-G-T. GRCh37 (hg19) VCF-style: chr10-101996733-G-T.
Other names: NC_000010.10:g.101996733G>T; p.?; c.844-7C>A (NM_001303406.2, NM_001303405.2); c.520-7C>A (NM_001303407.2); c.1254+1046C>A (NM_001303404.2).
Identifiers: ClinVar variation 787543 (VCV000787543.48), dbSNP rs185005670, ClinGen allele CA5646893.

ClinVar aggregate classification (germline): Benign/Likely benign. Review status: criteria provided, multiple submitters, no conflicts (2 of 4 stars). 3 submissions from 3 submitters: Benign (2); Likely benign (1). Last evaluated 2026-07-01.

Allele frequency attached by ClinVar (database versions not stated): gnomAD 0.00214 and 0.00221; TOPMed 0.00229; ESP Exome Variant Server 0.00238; 1000 Genomes Project 30x 0.00094; 1000 Genomes Project 0.00100; ExAC 0.00186.
gnomAD v4.1: 4,733 of 1,566,940 alleles (0.3%); highest among the groups gnomAD compares: Non-Finnish European, 0.38%; 9 homozygotes.

Submissions (13):

CeGaT Center for Human Genetics Tuebingen
Classification: Likely benign. Last evaluated: 2026-07-01. Review status: criteria provided, single submitter. Criteria: CeGaT Center For Human Genetics Tuebingen Variant Classification Criteria Version 2. Collection method: clinical testing. Allele origin: germline. Affected: yes. Observed: 7 variant alleles.
Comment: CWF19L1: BP4

Mayo Clinic Laboratories, Mayo Clinic
Classification: Benign. Last evaluated: 2024-10-21. Review status: criteria provided, single submitter. Criteria: ACMG Guidelines, 2015. Collection method: clinical testing. Allele origin: germline. Observed: 5 variant alleles.
Comment: BS1, BS2, BP4, BP7

Labcorp Genetics (formerly Invitae), Labcorp
Classification: Benign. Last evaluated: 2019-12-31. Review status: criteria provided, single submitter. Criteria: Invitae Variant Classification Sherloc (09022015). Collection method: clinical testing. Allele origin: germline.

Dr. Peter K. Rogan Lab, Western University
No classification provided (evidence only). Condition: Familial cancer of breast. Review status: no classification provided. Collection method: in vitro. Allele origin: not applicable. Functional consequence: retained intron. Not counted in ClinVar's aggregate classification.

Dr. Peter K. Rogan Lab, Western University
No classification provided (evidence only). Condition: Familial cancer of breast. Review status: no classification provided. Collection method: in vitro. Allele origin: not applicable. Functional consequence: retained intron. Not counted in ClinVar's aggregate classification.

Dr. Peter K. Rogan Lab, Western University
No classification provided (evidence only). Condition: Familial cancer of breast. Review status: no classification provided. Collection method: in vitro. Allele origin: not applicable. Functional consequence: skipped exon, retained intron. Not counted in ClinVar's aggregate classification.

Dr. Peter K. Rogan Lab, Western University
No classification provided (evidence only). Condition: Acute myeloid leukemia. Review status: no classification provided. Collection method: in vitro. Allele origin: not applicable. Functional consequence: retained intron. Not counted in ClinVar's aggregate classification.

Dr. Peter K. Rogan Lab, Western University
No classification provided (evidence only). Condition: Sarcoma. Review status: no classification provided. Collection method: in vitro. Allele origin: not applicable. Functional consequence: retained intron. Not counted in ClinVar's aggregate classification.

Dr. Peter K. Rogan Lab, Western University
No classification provided (evidence only). Condition: Sarcoma. Review status: no classification provided. Collection method: in vitro. Allele origin: not applicable. Functional consequence: retained intron. Not counted in ClinVar's aggregate classification.

Dr. Peter K. Rogan Lab, Western University
No classification provided (evidence only). Condition: Malignant lymphoma, large B-cell, diffuse. Review status: no classification provided. Collection method: in vitro. Allele origin: not applicable. Functional consequence: retained intron. Not counted in ClinVar's aggregate classification.

Dr. Peter K. Rogan Lab, Western University
No classification provided (evidence only). Condition: Gastric cancer. Review status: no classification provided. Collection method: in vitro. Allele origin: not applicable. Functional consequence: retained intron. Not counted in ClinVar's aggregate classification.

Dr. Peter K. Rogan Lab, Western University
No classification provided (evidence only). Condition: Uveal melanoma. Review status: no classification provided. Collection method: in vitro. Allele origin: not applicable. Functional consequence: retained intron. Not counted in ClinVar's aggregate classification.

Dr. Peter K. Rogan Lab, Western University
No classification provided (evidence only). Condition: Malignant tumor of esophagus. Review status: no classification provided. Collection method: in vitro. Allele origin: not applicable. Functional consequence: skipped exon, retained intron. Not counted in ClinVar's aggregate classification.